The following is an entry in ClinVar:

NC_000014.9:g.35044389_35052476del

Genes: FAM177A1 (family with sequence similarity 177 member A1; plus strand), LOC130055482 (ATAC-STARR-seq lymphoblastoid active region 8260; plus strand), LOC130055483 (ATAC-STARR-seq lymphoblastoid silent region 5673; plus strand), LOC130055484 (ATAC-STARR-seq lymphoblastoid active region 8261; plus strand), LOC130055485 (ATAC-STARR-seq lymphoblastoid active region 8262; plus strand). Cytogenetic location: 14q13.2.
Variant type: Deletion.
Genome position: GRCh38: chr14:35,044,389-35,052,476. GRCh37 (hg19): chr14:35,513,595-35,521,682.
Identifiers: ClinVar variation 870589 (VCV000870589.3), ClinGen allele CA1139663438.

ClinVar aggregate classification (germline): Likely pathogenic (1 of 4 stars; one submission).

Conditions:
FAM177A1-related disorder.

Submission:

Undiagnosed Diseases Network, NIH
Classification: Likely pathogenic for FAM177A1-related disorder. Last evaluated: 2019-10-31. Review status: criteria provided, single submitter. Criteria: ACMG Guidelines, 2015. Collection method: clinical testing. Allele origin: maternal. Inheritance: Autosomal recessive inheritance. Affected: yes. Observed: 2 variant alleles, 1 compound heterozygote.